The following is an entry in ClinVar:

ClinVar aggregate classification (germline): Pathogenic. Review status: criteria provided, single submitter (1 of 4 stars). 2 submissions from 2 submitters: Pathogenic (1). 1 of the submissions does not count toward it. Last evaluated 2023-10-13.

Conditions:
Ehlers-Danlos syndrome, type 4 (EDSVASC). Also called: Ehlers-Danlos syndrome vascular type; Ehlers Danlos syndrome, ecchymotic type; Ehlers Danlos syndrome, arterial type; Ehlers Danlos syndrome, Sack-Barabas type; Ehlers-Danlos Syndrome Type IV. Identifiers: Orphanet 286, MedGen C0268338, MONDO:0017314, OMIM 130050.

Submissions (2):

Labcorp Genetics (formerly Invitae), Labcorp
Classification: Pathogenic for Ehlers-Danlos syndrome, type 4. Last evaluated: 2023-10-13. Review status: criteria provided, single submitter. Criteria: Invitae Variant Classification Sherloc (09022015). Collection method: clinical testing. Allele origin: germline.
Comment: This sequence change replaces glycine, which is neutral and non-polar, with valine, which is neutral and non-polar, at codon 1092 of the COL3A1 protein (p.Gly1092Val). This variant is not present in population databases (gnomAD no frequency). This missense change has been observed in individual(s) with clinical features of vascular Ehlers-Danlos syndrome (Invitae). In at least one individual the variant was observed to be de novo. ClinVar contains an entry for this variant (Variation ID: 101416). Advanced modeling of protein sequence and biophysical properties (such as structural, functional, and spatial information, amino acid conservation, physicochemical variation, residue mobility, and thermodynamic stability) performed at Invitae indicates that this missense variant is expected to disrupt COL3A1 protein function. This variant disrupts the triple helix domain of COL3A1. Glycine residues within the Gly-Xaa-Yaa repeats of the triple helix domain are required for the structure and stability of fibrillar collagens (PMID: 7695699, 8218237, 19344236). In COL3A1, variants that affect these glycine residues are significantly enriched in individuals with disease (PMID: 24922459, 25758994) compared to the general population (ExAC). This variant disrupts the p.Gly1092 amino acid residue in COL3A1. Other variant(s) that disrupt this residue have been observed in individuals with COL3A1-related conditions (Invitae), which suggests that this may be a clinically significant amino acid residue. For these reasons, this variant has been classified as Pathogenic.

Collagen Diagnostic Laboratory, University of Washington
Classification: Pathogenic for Ehlers-Danlos syndrome, type 4. Review status: no assertion criteria provided. Collection method: clinical testing. Allele origin: germline. Affected: yes. Not counted in ClinVar's aggregate classification.

Literature cited by the submitters: PubMed 7695699 (cited by Labcorp Genetics (formerly Invitae), Labcorp); PubMed 8218237 (cited by Labcorp Genetics (formerly Invitae), Labcorp); PubMed 19344236 (cited by Labcorp Genetics (formerly Invitae), Labcorp); PubMed 24922459 (cited by Labcorp Genetics (formerly Invitae), Labcorp); PubMed 25758994 (cited by Labcorp Genetics (formerly Invitae), Labcorp).

NM_000090.4(COL3A1):c.3275G>T (p.Gly1092Val)

Gene: COL3A1 (collagen type III alpha 1 chain; plus strand). Cytogenetic location: 2q32.2.
Variant type: single nucleotide variant.
Coding change: c.3275G>T on transcript NM_000090.4 (MANE Select); coding-DNA position 3275, G replaced by T.
Protein change: p.Gly1092Val; replaces glycine 1092 with valine.
Molecular consequence: missense variant.
Genome position (GRCh38, 1-based): chr2:189,007,519, G>T. VCF-style: chr2-189007519-G-T. GRCh37 (hg19) VCF-style: chr2-189872245-G-T.
Identifiers: ClinVar variation 101416 (VCV000101416.5), dbSNP rs587779666, ClinGen allele CA006265.